The following is an entry in ClinVar:

NM_006180.6(NTRK2):c.1005T>C (p.His335=)

Gene: NTRK2 (neurotrophic receptor tyrosine kinase 2; plus strand). Cytogenetic location: 9q21.33.
Variant type: single nucleotide variant.
Coding change: c.1005T>C on transcript NM_006180.6 (MANE Select); coding-DNA position 1005, T replaced by C.
Protein change: p.His335=; no amino-acid change (histidine 335 retained).
Molecular consequence: synonymous variant.
Genome position (GRCh38, 1-based): chr9:84,727,805, T>C. VCF-style: chr9-84727805-T-C. GRCh37 (hg19) VCF-style: chr9-87342720-T-C.
Other names: c.1005T>C (NM_006180.4); c.1005T>C, p.His335= (NM_001007097.3, NM_001018064.3, NM_001018065.2 and 16 more transcripts); c.966T>C, p.His322= (NM_001291937.2, NM_001369546.1); c.537T>C, p.His179= (NM_001369535.1, NM_001369536.1, NM_001369550.1 and 2 more transcripts).
Identifiers: ClinVar variation 1562894 (VCV001562894.9), dbSNP rs201853768, ClinGen allele CA5105610.

ClinVar aggregate classification (germline): Likely benign. Review status: criteria provided, single submitter (1 of 4 stars). 2 submissions from 2 submitters: Likely benign (1). 1 of the submissions does not count toward it. Last evaluated 2024-02-17.

Conditions:
NTRK2-related disorder. Also called: NTRK2-related condition.

Allele frequency attached by ClinVar (database versions not stated): gnomAD exomes 0.00001; ExAC 0.00002; TOPMed 0.00002; gnomAD 0.00003 and 0.00004.
gnomAD v4.1: 23 of 1,614,048 alleles (0.0014%); highest among the groups gnomAD compares: Middle Eastern, 0.049%; no homozygotes.

Submissions (2):

Labcorp Genetics (formerly Invitae), Labcorp
Classification: Likely benign. Last evaluated: 2024-02-17. Review status: criteria provided, single submitter. Criteria: Invitae Variant Classification Sherloc (09022015). Collection method: clinical testing. Allele origin: germline.

PreventionGenetics, part of Exact Sciences
Classification: Likely benign for NTRK2-related condition. Last evaluated: 2023-11-01. Review status: no assertion criteria provided. Collection method: clinical testing. Allele origin: germline. Not counted in ClinVar's aggregate classification.
Comment: This variant is classified as likely benign based on ACMG/AMP sequence variant interpretation guidelines (Richards et al. 2015 PMID: 25741868, with internal and published modifications).